The following is an entry in ClinVar:

NM_002474.3(MYH11):c.254C>T (p.Ser85Phe)

Gene: MYH11 (myosin heavy chain 11; minus strand). Cytogenetic location: 16p13.11.
Variant type: single nucleotide variant.
Coding change: c.254C>T on transcript NM_002474.3 (MANE Select); coding-DNA position 254, C replaced by T.
Protein change: p.Ser85Phe; replaces serine 85 with phenylalanine.
Molecular consequence: missense variant.
Genome position (GRCh38, 1-based): chr16:15,837,999, G>A on the plus strand (C>T on the coding strand, the complement: MYH11 is on the minus strand). VCF-style: chr16-15837999-G-A. GRCh37 (hg19) VCF-style: chr16-15931856-G-A.
Other names: c.254C>T, p.Ser85Phe (NM_001040113.2, NM_001040114.2, NM_022844.3); short protein forms S85F.
Identifiers: ClinVar variation 71998 (VCV000071998.4), dbSNP rs148687580, ClinGen allele CA278998942.

ClinVar aggregate classification (germline): Uncertain significance. Review status: criteria provided, multiple submitters, no conflicts (2 of 4 stars). 2 submissions from 2 submitters: Uncertain significance (2). Last evaluated 2025-07-29.

Conditions:
Aortic aneurysm, familial thoracic 4 (AAT4). Also called: AORTIC ANEURYSM/AORTIC DISSECTION AND PATENT DUCTUS ARTERIOSUS. Identifiers: MedGen C1851504, MONDO:0007568, OMIM 132900.
Familial thoracic aortic aneurysm and aortic dissection (TAAD). Also called: Thoracic aortic aneurysms and dissections. Identifiers: Orphanet 91387, MedGen C4707243, MONDO:0019625.

Submissions (2):

Labcorp Genetics (formerly Invitae), Labcorp
Classification: Uncertain significance for Aortic aneurysm, familial thoracic 4. Last evaluated: 2025-07-29. Review status: criteria provided, single submitter. Criteria: Invitae Variant Classification Sherloc (09022015). Collection method: clinical testing. Allele origin: germline.
Comment: This sequence change replaces serine, which is neutral and polar, with phenylalanine, which is neutral and non-polar, at codon 85 of the MYH11 protein (p.Ser85Phe). This variant is not present in population databases (gnomAD no frequency). This variant has not been reported in the literature in individuals affected with MYH11-related conditions. ClinVar contains an entry for this variant (Variation ID: 71998). Invitae Evidence Modeling of protein sequence and biophysical properties (such as structural, functional, and spatial information, amino acid conservation, physicochemical variation, residue mobility, and thermodynamic stability) indicates that this missense variant is not expected to disrupt MYH11 protein function with a negative predictive value of 95%. In summary, the available evidence is currently insufficient to determine the role of this variant in disease. Therefore, it has been classified as a Variant of Uncertain Significance.

Color Diagnostics, LLC DBA Color Health
Classification: Uncertain significance for Familial thoracic aortic aneurysm and aortic dissection. Last evaluated: 2019-05-30. Review status: criteria provided, single submitter. Criteria: ACMG Guidelines, 2015. Collection method: clinical testing. Allele origin: germline.
Comment: This missense variant replaces serine with phenylalanine at codon 85 of the MYH11 protein. Computational prediction tools and conservation analyses are inconclusive regarding the impact of this variant on the protein function. Computational splicing tools suggest that this variant may not impact RNA splicing. To our knowledge, functional assays have not been performed for this variant nor has this variant been reported in individuals affected with cardiovascular disorders in the literature. This variant has not been identified in the general population by the Genome Aggregation Database (gnomAD). Available evidence is insufficient to determine the role of this variant in disease conclusively. Therefore, this variant is classified as a Variant of Uncertain Significance.